The following is an entry in ClinVar:

ClinVar aggregate classification (germline): Likely benign. Review status: criteria provided, multiple submitters, no conflicts (2 of 4 stars). 2 submissions from 2 submitters: Likely benign (2). Last evaluated 2024-05-14.

Conditions:
Familial thoracic aortic aneurysm and aortic dissection (TAAD). Also called: Thoracic aortic aneurysms and dissections. Identifiers: Orphanet 91387, MedGen C4707243, MONDO:0019625.

Allele frequency attached by ClinVar (database versions not stated): gnomAD exomes below 0.00001.
gnomAD v4.1: 1 of 1,614,232 alleles (0.000062%); highest among the groups gnomAD compares: South Asian, 0.0011%; no homozygotes.

Submissions (2):

All of Us Research Program, National Institutes of Health
Classification: Likely benign for Familial thoracic aortic aneurysm and aortic dissection. Last evaluated: 2024-05-14. Review status: criteria provided, single submitter. Criteria: ACMG Guidelines, 2015. Collection method: clinical testing. Allele origin: germline. Inheritance: Autosomal dominant inheritance. Observed: 1 variant allele, 1 heterozygote.
Comment: This study involves interpretation of variants in research participants for the purpose of population health screening. Participant phenotype was not available at the time of variant classification. Additional details can be found in publication PMID: 35346344, PMCID: PMC8962531

Ambry Genetics
Classification: Likely benign for Familial thoracic aortic aneurysm and aortic dissection. Last evaluated: 2022-10-27. Review status: criteria provided, single submitter. Criteria: Ambry Variant Classification Scheme 2023. Collection method: clinical testing. Allele origin: germline.

NM_002474.3(MYH11):c.3564G>A (p.Arg1188=)

Gene: MYH11 (myosin heavy chain 11; minus strand). Cytogenetic location: 16p13.11.
Variant type: single nucleotide variant.
Coding change: c.3564G>A on transcript NM_002474.3 (MANE Select); coding-DNA position 3564, G replaced by A.
Protein change: p.Arg1188=; no amino-acid change (arginine 1188 retained).
Molecular consequence: synonymous variant.
Genome position (GRCh38, 1-based): chr16:15,732,651, C>T on the plus strand (G>A on the coding strand, the complement: MYH11 is on the minus strand). VCF-style: chr16-15732651-C-T. GRCh37 (hg19) VCF-style: chr16-15826508-C-T.
Other names: c.3585G>A, p.Arg1195= (NM_001040113.2, NM_001040114.2); c.3564G>A, p.Arg1188= (NM_022844.3).
Identifiers: ClinVar variation 1732730 (VCV001732730.3), dbSNP rs1164953940, ClinGen allele CA493771092.